The following is an entry in ClinVar:

ClinVar aggregate classification (germline): Uncertain significance. Review status: criteria provided, single submitter (1 of 4 stars). 3 submissions from 3 submitters: Uncertain significance (1). 2 of the submissions do not count toward it. Last evaluated 2023-11-02.

Conditions:
Autosomal dominant childhood-onset proximal spinal muscular atrophy without contractures. Also called: SPINAL MUSCULAR ATROPHY, JUVENILE, PROXIMAL, AUTOSOMAL DOMINANT; Spinal muscular atrophy, lower extremity-predominant 1, AD; SPINAL MUSCULAR ATROPHY, CHILDHOOD, PROXIMAL, AUTOSOMAL DOMINANT; KUGELBERG-WELANDER SYNDROME, AUTOSOMAL DOMINANT. Identifiers: Orphanet 209341, Orphanet 363447, MedGen C5780022, MONDO:0008026, OMIM 158600.
Charcot-Marie-Tooth disease axonal type 2O. Also called: Charcot-Marie-Tooth Neuropathy Type 2O; CHARCOT-MARIE-TOOTH NEUROPATHY, AXONAL, TYPE 2O; CHARCOT-MARIE-TOOTH DISEASE, AXONAL, AUTOSOMAL DOMINANT, TYPE 2O; Charcot-Marie-Tooth disease, axonal, type 20. Identifiers: Orphanet 284232, MedGen C3280220, MONDO:0013644, OMIM 614228.

Submissions (3):

Labcorp Genetics (formerly Invitae), Labcorp
Classification: Uncertain significance for Charcot-Marie-Tooth disease axonal type 2O. Last evaluated: 2023-11-02. Review status: criteria provided, single submitter. Criteria: Invitae Variant Classification Sherloc (09022015). Collection method: clinical testing. Allele origin: germline.
Comment: This sequence change replaces lysine, which is basic and polar, with glutamic acid, which is acidic and polar, at codon 671 of the DYNC1H1 protein (p.Lys671Glu). This variant is not present in population databases (gnomAD no frequency). This missense change has been observed in individual(s) with spinal muscular atrophy with lower extremity predominance (PMID: 22459677). It has also been observed to segregate with disease in related individuals. ClinVar contains an entry for this variant (Variation ID: 30033). Advanced modeling of protein sequence and biophysical properties (such as structural, functional, and spatial information, amino acid conservation, physicochemical variation, residue mobility, and thermodynamic stability) performed at Invitae indicates that this missense variant is not expected to disrupt DYNC1H1 protein function with a negative predictive value of 95%. In summary, the available evidence is currently insufficient to determine the role of this variant in disease. Therefore, it has been classified as a Variant of Uncertain Significance.

Inherited Neuropathy Consortium Ii, University Of Miami
Classification: Uncertain significance for Charcot-Marie-Tooth disease axonal type 2O. Last evaluated: 2016-01-06. Review status: no assertion criteria provided. Collection method: literature only. Allele origin: germline. Affected: yes. Not counted in ClinVar's aggregate classification.

OMIM
Classification: Pathogenic for SPINAL MUSCULAR ATROPHY, LOWER EXTREMITY-PREDOMINANT, 1, AUTOSOMAL DOMINANT. Last evaluated: 2012-05-29. Review status: no assertion criteria provided. Collection method: literature only. Allele origin: germline. Not counted in ClinVar's aggregate classification.

Literature cited by the submitters: PubMed 22459677 (cited by 3 submitters).

NM_001376.5(DYNC1H1):c.2011A>G (p.Lys671Glu)

Gene: DYNC1H1 (dynein cytoplasmic 1 heavy chain 1; plus strand). Cytogenetic location: 14q32.31.
Variant type: single nucleotide variant.
Coding change: c.2011A>G on transcript NM_001376.5 (MANE Select); coding-DNA position 2011, A replaced by G.
Protein change: p.Lys671Glu; replaces lysine 671 with glutamic acid.
Molecular consequence: missense variant.
Genome position (GRCh38, 1-based): chr14:101,986,236, A>G. VCF-style: chr14-101986236-A-G. GRCh37 (hg19) VCF-style: chr14-102452573-A-G.
Other names: c.2011A>G (NM_001376.4); short protein forms K671E.
Identifiers: ClinVar variation 30033 (VCV000030033.5), dbSNP rs387906742, ClinGen allele CA128844.
Genomic context (GRCh38, chr14:101,986,236, plus strand): 5'-GCTAAACAGATCGACAGGCAGCTGACGGCCTACATGAAGCGGGTGGAAGATGTCCTTGGC[A>G]AGGGCTGGGAGAATCACGTGGAGGGGCAGAAGCTGAAGCAGGATGGAGACAGCTTCCGCA-3'
Protein context (NP_001367.2, residues 661-681): YMKRVEDVLG[Lys671Glu]GWENHVEGQK